The following is an entry in ClinVar:

NM_198691.3(KRTAP10-1):c.474G>A (p.Glu158=)

Genes: KRTAP10-1 (keratin associated protein 10-1; minus strand), TSPEAR (thrombospondin type laminin G domain and EAR repeats; minus strand). Cytogenetic location: 21q22.3.
Variant type: single nucleotide variant.
Coding change: c.474G>A on transcript NM_198691.3 (MANE Select); coding-DNA position 474, G replaced by A.
Protein change: p.Glu158=; no amino-acid change (glutamic acid 158 retained).
Molecular consequence: synonymous variant. On other transcripts: intron variant (2).
Genome position (GRCh38, 1-based): chr21:44,539,677, C>T on the plus strand (G>A on the coding strand, the complement: KRTAP10-1 is on the minus strand). VCF-style: chr21-44539677-C-T. GRCh37 (hg19) VCF-style: chr21-45959560-C-T.
Other names: c.304-5754G>A (NM_144991.3); c.100-5754G>A (NM_001272037.2).
Identifiers: ClinVar variation 4822743 (VCV004822743.4).

ClinVar aggregate classification (germline): Likely benign (1 of 4 stars; one submission).

Submission:

CeGaT Center for Human Genetics Tuebingen
Classification: Likely benign. Last evaluated: 2026-01-01. Review status: criteria provided, single submitter. Criteria: CeGaT Center For Human Genetics Tuebingen Variant Classification Criteria Version 2. Collection method: clinical testing. Allele origin: germline. Affected: yes. Observed: 1 variant allele.
Comment: KRTAP10-1: PM2:Supporting, BP4, BP7